The following is an entry in ClinVar:

ClinVar aggregate classification (germline): Uncertain significance (1 of 4 stars; one submission).

Conditions:
Inborn genetic diseases. Identifiers: MedGen C0950123, MeSH D030342.

Submission:

Ambry Genetics
Classification: Uncertain significance for Inborn genetic diseases. Last evaluated: 2023-04-07. Review status: criteria provided, single submitter. Criteria: Ambry Variant Classification Scheme 2023. Collection method: clinical testing. Allele origin: germline.
Comment: The p.G1121R variant (also known as c.3361G>A), located in coding exon 25 of the LRRK2 gene, results from a G to A substitution at nucleotide position 3361. The glycine at codon 1121 is replaced by arginine, an amino acid with dissimilar properties. This amino acid position is conserved. In addition, this alteration is predicted to be tolerated by in silico analysis. Since supporting evidence is limited at this time, the clinical significance of this alteration remains unclear.

NM_198578.4(LRRK2):c.3361G>A (p.Gly1121Arg)

Gene: LRRK2 (leucine rich repeat kinase 2; plus strand). Cytogenetic location: 12q12.
Variant type: single nucleotide variant.
Coding change: c.3361G>A on transcript NM_198578.4 (MANE Select); coding-DNA position 3361, G replaced by A.
Protein change: p.Gly1121Arg; replaces glycine 1121 with arginine.
Molecular consequence: missense variant.
Genome position (GRCh38, 1-based): chr12:40,299,122, G>A. VCF-style: chr12-40299122-G-A. GRCh37 (hg19) VCF-style: chr12-40692924-G-A.
Other names: short protein forms G1121R.
Identifiers: ClinVar variation 2567352 (VCV002567352.2), dbSNP rs2136749580, ClinGen allele CA384415488.
Genomic context (GRCh38, chr12:40,299,122, plus strand): 5'-CATATGAATTTATGCAATTTAATCATTATCTTGTCTCTTGTGACTAGAAATAAAATATCA[G>A]GGATATGCTCCCCCTTGAGACTGAAGGAACTGAAGATTTTAAACCTTAGTAAGAACCACA-3'
Protein context (NP_940980.4, residues 1111-1131): QLILEGNKIS[Gly1121Arg]ICSPLRLKEL